The following is an entry in ClinVar:

ClinVar aggregate classification (germline): Conflicting classifications of pathogenicity. Review status: criteria provided, conflicting classifications (1 of 4 stars). 4 submissions from 4 submitters: Uncertain significance (3); Likely benign (1). Last evaluated 2024-04-10.

Conditions:
Hereditary breast ovarian cancer syndrome. Also called: Hereditary breast and ovarian cancer syndrome; Hereditary breast and ovarian cancer; Hereditary breast and ovarian cancer syndrome (HBOC); Breast and ovarian cancer; Hereditary breast and/or ovarian cancer syndrome; BRCA1- and BRCA2-Associated Hereditary Breast and Ovarian Cancer. Identifiers: Orphanet 145, MedGen C0677776, MeSH D061325, MONDO:0003582. Disease mechanism: loss of function.
Hereditary cancer-predisposing syndrome. Also called: Neoplastic Syndromes, Hereditary; Tumor predisposition; Hereditary neoplastic syndrome; Hereditary Cancer Syndrome. Identifiers: Orphanet 140162, MedGen C0027672, MeSH D009386, MONDO:0015356.

Allele frequency attached by ClinVar (database versions not stated): gnomAD exomes below 0.00001 and 0.00001.
gnomAD v4.1: 3 of 1,613,010 alleles (0.00019%); highest among the groups gnomAD compares: Non-Finnish European, 0.00025%; no homozygotes.

Submissions (4):

Ambry Genetics
Classification: Uncertain significance for Hereditary cancer-predisposing syndrome. Last evaluated: 2024-04-10. Review status: criteria provided, single submitter. Criteria: Ambry Variant Classification Scheme 2023. Collection method: clinical testing. Allele origin: germline.
Comment: The p.G1215R variant (also known as c.3643G>A), located in coding exon 10 of the BRCA2 gene, results from a G to A substitution at nucleotide position 3643. The glycine at codon 1215 is replaced by arginine, an amino acid with dissimilar properties. This amino acid position is poorly conserved in available vertebrate species. In addition, this alteration is predicted to be tolerated by in silico analysis. Since supporting evidence is limited at this time, the clinical significance of this alteration remains unclear.

University of Washington Department of Laboratory Medicine, University of Washington
Classification: Likely benign for Hereditary cancer-predisposing syndrome. Last evaluated: 2023-03-23. Review status: criteria provided, single submitter. Criteria: Dines et al. (Genet Med. 2020). Collection method: curation. Allele origin: germline.
Comment: Missense variant in a coldspot region where missense variants are very unlikely to be pathogenic (PMID:31911673).

BRCA2 exon 11 coldspot. Reclassification based on statistical prior probability.

Labcorp Genetics (formerly Invitae), Labcorp
Classification: Uncertain significance for Hereditary breast ovarian cancer syndrome. Last evaluated: 2022-11-04. Review status: criteria provided, single submitter. Criteria: Invitae Variant Classification Sherloc (09022015). Collection method: clinical testing. Allele origin: germline.
Comment: In summary, the available evidence is currently insufficient to determine the role of this variant in disease. Therefore, it has been classified as a Variant of Uncertain Significance. Advanced modeling of protein sequence and biophysical properties (such as structural, functional, and spatial information, amino acid conservation, physicochemical variation, residue mobility, and thermodynamic stability) performed at Invitae indicates that this missense variant is not expected to disrupt BRCA2 protein function. ClinVar contains an entry for this variant (Variation ID: 627950). This variant has not been reported in the literature in individuals affected with BRCA2-related conditions. This variant is present in population databases (no rsID available, gnomAD 0.002%). This sequence change replaces glycine, which is neutral and non-polar, with arginine, which is basic and polar, at codon 1215 of the BRCA2 protein (p.Gly1215Arg).

Color Diagnostics, LLC DBA Color Health
Classification: Uncertain significance for Hereditary cancer-predisposing syndrome. Last evaluated: 2019-03-18. Review status: criteria provided, single submitter. Criteria: ACMG Guidelines, 2015. Collection method: clinical testing. Allele origin: germline.

NM_000059.4(BRCA2):c.3643G>A (p.Gly1215Arg)

Gene: BRCA2 (BRCA2 DNA repair associated; plus strand). Cytogenetic location: 13q13.1.
Variant type: single nucleotide variant.
Coding change: c.3643G>A on transcript NM_000059.4 (MANE Select); coding-DNA position 3643, G replaced by A.
Protein change: p.Gly1215Arg; replaces glycine 1215 with arginine.
Molecular consequence: missense variant.
Genome position (GRCh38, 1-based): chr13:32,337,998, G>A. VCF-style: chr13-32337998-G-A. GRCh37 (hg19) VCF-style: chr13-32912135-G-A.
Other names: short protein forms G1215R.
Identifiers: ClinVar variation 627950 (VCV000627950.19), dbSNP rs1366773950, ClinGen allele CA387777937.